The following is an entry in ClinVar:

NM_000718.4(CACNA1B):c.5843C>T (p.Pro1948Leu)

Gene: CACNA1B (calcium voltage-gated channel subunit alpha1 B; plus strand). Cytogenetic location: 9q34.3.
Variant type: single nucleotide variant.
Coding change: c.5843C>T on transcript NM_000718.4 (MANE Select); coding-DNA position 5843, C replaced by T.
Protein change: p.Pro1948Leu; replaces proline 1948 with leucine.
Molecular consequence: missense variant.
Genome position (GRCh38, 1-based): chr9:138,118,011, C>T. VCF-style: chr9-138118011-C-T. GRCh37 (hg19) VCF-style: chr9-141012463-C-T.
Other names: c.5843C>T, p.Pro1948Leu (NM_001243812.2); short protein forms P1948L.
Identifiers: ClinVar variation 3618559 (VCV003618559.2).

ClinVar aggregate classification (germline): Uncertain significance (1 of 4 stars; one submission).

Submission:

Labcorp Genetics (formerly Invitae), Labcorp
Classification: Uncertain significance. Last evaluated: 2024-05-28. Review status: criteria provided, single submitter. Criteria: Invitae Variant Classification Sherloc (09022015). Collection method: clinical testing. Allele origin: germline.
Comment: This sequence change replaces proline, which is neutral and non-polar, with leucine, which is neutral and non-polar, at codon 1948 of the CACNA1B protein (p.Pro1948Leu). This variant is not present in population databases (gnomAD no frequency). This variant has not been reported in the literature in individuals affected with CACNA1B-related conditions. Advanced modeling of protein sequence and biophysical properties (such as structural, functional, and spatial information, amino acid conservation, physicochemical variation, residue mobility, and thermodynamic stability) performed at Invitae indicates that this missense variant is not expected to disrupt CACNA1B protein function with a negative predictive value of 80%. In summary, the available evidence is currently insufficient to determine the role of this variant in disease. Therefore, it has been classified as a Variant of Uncertain Significance.